The following is an entry in ClinVar:

ClinVar aggregate classification (germline): Conflicting classifications of pathogenicity. Review status: criteria provided, conflicting classifications (1 of 4 stars). 9 submissions from 9 submitters: Uncertain significance (3); Likely benign (6). Last evaluated 2026-09-21.

Conditions:
Cardiovascular phenotype. Identifiers: MedGen CN230736.
Myofibrillar myopathy 5. Also called: FILAMINOPATHY, AUTOSOMAL DOMINANT; Filaminopathy (type). Identifiers: Orphanet 171445, MedGen C1836050, MONDO:0012289, OMIM 609524.
Distal myopathy with posterior leg and anterior hand involvement. Also called: WILLIAMS DISTAL MYOPATHY. Identifiers: Orphanet 63273, MedGen C3279722, MONDO:0013550, OMIM 614065.
Hypertrophic cardiomyopathy 26. Also called: Cardiomyopathy, familial hypertrophic, 26. Identifiers: Orphanet 75249, MedGen C4310749, MONDO:0014883, OMIM 617047.

Allele frequency attached by ClinVar (database versions not stated): gnomAD exomes 0.00013 and 0.00012; ExAC 0.00015; ESP Exome Variant Server 0.00016; gnomAD 0.00007 and 0.00008; TOPMed 0.00007.
gnomAD v4.1: 190 of 1,605,088 alleles (0.012%); highest among the groups gnomAD compares: South Asian, 0.039%; no homozygotes.

Submissions (9):

Molecular Diagnostic Laboratory for Inherited Cardiovascular Disease, Montreal Heart Institute
Classification: Likely benign. Last evaluated: 2026-09-21. Review status: criteria provided, single submitter. Criteria: ACMG Guidelines, 2015. Collection method: clinical testing. Allele origin: germline. Affected: no.
Comment: BS1;BP4

Labcorp Genetics (formerly Invitae), Labcorp
Classification: Likely benign for Distal myopathy with posterior leg and anterior hand involvement; Myofibrillar myopathy 5; Hypertrophic cardiomyopathy 26. Last evaluated: 2026-01-28. Review status: criteria provided, single submitter. Criteria: Invitae Variant Classification Sherloc (09022015). Collection method: clinical testing. Allele origin: germline.

CeGaT Center for Human Genetics Tuebingen
Classification: Likely benign. Last evaluated: 2026-01-01. Review status: criteria provided, single submitter. Criteria: CeGaT Center For Human Genetics Tuebingen Variant Classification Criteria Version 2. Collection method: clinical testing. Allele origin: germline. Affected: yes. Observed: 4 variant alleles.
Comment: FLNC: BP4, BS2

Ambry Genetics
Classification: Likely benign for Cardiovascular phenotype. Last evaluated: 2025-12-12. Review status: criteria provided, single submitter. Criteria: Ambry Variant Classification Scheme 2023. Collection method: clinical testing. Allele origin: germline.

Women's Health and Genetics/Laboratory Corporation of America, LabCorp
Classification: Likely benign. Last evaluated: 2025-01-17. Review status: criteria provided, single submitter. Criteria: LabCorp Variant Classification Summary - May 2015. Collection method: clinical testing. Allele origin: germline.
Comment: Variant summary: FLNC c.6817G>A (p.Ala2273Thr) results in a non-conservative amino acid change located in the Filamin-type immunoglobulin domain (IPR001298) of the encoded protein sequence. Three of five in-silico tools predict a benign effect of the variant on protein function. The variant allele was found at a frequency of 0.00013 in 228146 control chromosomes. The observed variant frequency is approximately 16 fold of the estimated maximal expected allele frequency for a pathogenic variant in FLNC causing Dilated Cardiomyopathy phenotype (7.8e-06). To our knowledge, no occurrence of c.6817G>A in individuals affected with Dilated Cardiomyopathy and no experimental evidence demonstrating its impact on protein function have been reported. ClinVar contains an entry for this variant (Variation ID: 425427). Based on the evidence outlined above, the variant was classified as likely benign.

Blueprint Genetics
Classification: Likely benign. Last evaluated: 2024-07-15. Review status: criteria provided, single submitter. Criteria: ACMG Guidelines, 2015. Collection method: clinical testing. Allele origin: germline.

ARUP Laboratories, Molecular Genetics and Genomics, ARUP Laboratories
Classification: Uncertain significance. Last evaluated: 2023-12-26. Review status: criteria provided, single submitter. Criteria: ARUP Molecular Germline Variant Investigation Process 2024. Collection method: clinical testing. Allele origin: germline.
Comment: The FLNC c.6817G>A; p.Ala2273Thr variant (rs372251350), to our knowledge, is not reported in the medical literature associated with disease but is reported in ClinVar (Variation ID: 425427). This variant is found in the general population with an overall allele frequency of 0.013% (29/228146 alleles) in the Genome Aggregation Database (v2.1.1). Computational analyses are uncertain whether this variant is neutral or deleterious (REVEL: 0.201). Due to limited information, the clinical significance of this variant is uncertain at this time.

MGZ Medical Genetics Center
Classification: Uncertain significance for Distal myopathy with posterior leg and anterior hand involvement. Last evaluated: 2022-06-21. Review status: criteria provided, single submitter. Criteria: ACMG Guidelines, 2015. Collection method: clinical testing. Allele origin: germline. Affected: yes. Observed: 1 variant allele.
Comment: ACMG criteria applied: PM2_SUP

Athena Diagnostics
Classification: Uncertain significance. Last evaluated: 2020-01-24. Review status: criteria provided, single submitter. Criteria: Athena Diagnostics Criteria. Collection method: clinical testing. Allele origin: unknown.

Literature cited by the submitters: PubMed 26555887 (cited by Ambry Genetics).

NM_001458.5(FLNC):c.6817G>A (p.Ala2273Thr)

Genes: FLNC (filamin C; plus strand), FLNC-AS1 (FLNC antisense RNA 1; minus strand). Cytogenetic location: 7q32.1.
Variant type: single nucleotide variant.
Coding change: c.6817G>A on transcript NM_001458.5 (MANE Select); coding-DNA position 6817, G replaced by A.
Protein change: p.Ala2273Thr; replaces alanine 2273 with threonine.
Molecular consequence: missense variant.
Genome position (GRCh38, 1-based): chr7:128,854,502, G>A. VCF-style: chr7-128854502-G-A. GRCh37 (hg19) VCF-style: chr7-128494556-G-A.
Other names: c.6718G>A, p.Ala2240Thr (NM_001127487.2); short protein forms A2273T, A2240T.
Identifiers: ClinVar variation 425427 (VCV000425427.60), dbSNP rs372251350, ClinGen allele CA4476099.
Genomic context (GRCh38, chr7:128,854,502, plus strand): 5'-CAGGTGACCAGCCCATCGGGCAAGGTGGAAGCCGCAGAGATCGTCGAGGGCGAGGACAGC[G>A]CCTACAGCGTGCGCTTTGTGCCCCAGGAAATGGGGCCCCATACGGTCGCTGTCAAGTACC-3'
Protein context (NP_001449.3, residues 2263-2283): AAEIVEGEDS[Ala2273Thr]YSVRFVPQEM